The following is an entry in ClinVar:

ClinVar aggregate classification (germline): Conflicting classifications of pathogenicity. Review status: criteria provided, conflicting classifications (1 of 4 stars). 6 submissions from 6 submitters: Uncertain significance (1); Likely benign (4). 1 of the submissions does not count toward it. Last evaluated 2026-03-01.

Conditions:
EHHADH-related disorder. Also called: EHHADH-related condition.

Allele frequency attached by ClinVar (database versions not stated): TOPMed 0.00029; ESP Exome Variant Server 0.00054; gnomAD 0.00083.
gnomAD v4.1: 639 of 1,614,084 alleles (0.04%); highest among the groups gnomAD compares: Non-Finnish European, 0.045%; 2 homozygotes.

Submissions (6):

CeGaT Center for Human Genetics Tuebingen
Classification: Likely benign. Last evaluated: 2026-03-01. Review status: criteria provided, single submitter. Criteria: CeGaT Center For Human Genetics Tuebingen Variant Classification Criteria Version 2. Collection method: clinical testing. Allele origin: germline. Affected: yes. Observed: 1 variant allele.
Comment: EHHADH: BP4, BP7

Mayo Clinic Laboratories, Mayo Clinic
Classification: Likely benign. Last evaluated: 2025-06-13. Review status: criteria provided, single submitter. Criteria: ACMG Guidelines, 2015. Collection method: clinical testing. Allele origin: germline. Observed: 1 variant allele.
Comment: BS2, BP4, BP7

Laboratory of Genetics, Children's Clinical University Hospital Latvia
Classification: Likely benign. Last evaluated: 2025-02-16. Review status: criteria provided, single submitter. Criteria: ACMG Guidelines, 2015. Collection method: clinical testing. Allele origin: germline. Affected: yes.

Blueprint Genetics
Classification: Likely benign. Last evaluated: 2024-10-24. Review status: criteria provided, single submitter. Criteria: ACMG Guidelines, 2015. Collection method: clinical testing. Allele origin: germline.

Eurofins Ntd Llc (ga)
Classification: Uncertain significance. Last evaluated: 2017-02-02. Review status: criteria provided, single submitter. Criteria: EGL Classification Definitions 2015. Collection method: clinical testing. Allele origin: germline. Observed: 2 variant alleles, 2 heterozygotes.

PreventionGenetics, part of Exact Sciences
Classification: Likely benign for EHHADH-related condition. Last evaluated: 2024-01-10. Review status: no assertion criteria provided. Collection method: clinical testing. Allele origin: germline. Not counted in ClinVar's aggregate classification.
Comment: This variant is classified as likely benign based on ACMG/AMP sequence variant interpretation guidelines (Richards et al. 2015 PMID: 25741868, with internal and published modifications).

NM_001966.4(EHHADH):c.2094A>G (p.Leu698=)

Gene: EHHADH (enoyl-CoA hydratase and 3-hydroxyacyl CoA dehydrogenase; minus strand). Cytogenetic location: 3q27.2.
Variant type: single nucleotide variant.
Coding change: c.2094A>G on transcript NM_001966.4 (MANE Select); coding-DNA position 2094, A replaced by G.
Protein change: p.Leu698=; no amino-acid change (leucine 698 retained).
Molecular consequence: synonymous variant.
Genome position (GRCh38, 1-based): chr3:185,192,304, T>C on the plus strand (A>G on the coding strand, the complement: EHHADH is on the minus strand). VCF-style: chr3-185192304-T-C. GRCh37 (hg19) VCF-style: chr3-184910092-T-C.
Other names: p.Leu698=; c.1806A>G, p.Leu602= (NM_001166415.2); c.2094A>G (NM_001966.3).
Identifiers: ClinVar variation 500329 (VCV000500329.14), dbSNP rs370130327, ClinGen allele CA2738854.